The following is an entry in ClinVar:

ClinVar aggregate classification (germline): Uncertain significance (1 of 4 stars; one submission).

Conditions:
GRN-related frontotemporal lobar degeneration with Tdp43 inclusions (FTD2). Also called: DEMENTIA, HEREDITARY DYSPHASIC DISINHIBITION; FRONTOTEMPORAL LOBAR DEGENERATION WITH UBIQUITIN-POSITIVE INCLUSIONS; FTLD-TDP, GRN-RELATED; GRN Frontotemporal Dementia; FRONTOTEMPORAL DEMENTIA WITH TDP43 INCLUSIONS, GRN-RELATED. Identifiers: Orphanet 100070, Orphanet 282, MedGen C1843792, MONDO:0011842, OMIM 607485. Disease mechanism: loss of function.
Neuronal ceroid lipofuscinosis 11. Also called: GRN-Related Neuronal Ceroid-Lipofuscinosis. Identifiers: Orphanet 314629, Orphanet 79262, MedGen C3539123, MONDO:0013866, OMIM 614706.

Allele frequency attached by ClinVar (database versions not stated): ExAC 0.00001.

Submission:

Labcorp Genetics (formerly Invitae), Labcorp
Classification: Uncertain significance for Neuronal ceroid lipofuscinosis 11; GRN-related frontotemporal lobar degeneration with Tdp43 inclusions. Last evaluated: 2022-03-09. Review status: criteria provided, single submitter. Criteria: Invitae Variant Classification Sherloc (09022015). Collection method: clinical testing. Allele origin: germline.
Comment: In summary, the available evidence is currently insufficient to determine the role of this variant in disease. Therefore, it has been classified as a Variant of Uncertain Significance. This variant is present in population databases (no rsID available, gnomAD 0.0009%). Algorithms developed to predict the effect of missense changes on protein structure and function (SIFT, PolyPhen-2, Align-GVGD) all suggest that this variant is likely to be disruptive. This variant has not been reported in the literature in individuals affected with GRN-related conditions. This sequence change replaces proline, which is neutral and non-polar, with threonine, which is neutral and polar, at codon 373 of the GRN protein (p.Pro373Thr).

NM_002087.4(GRN):c.1117C>A (p.Pro373Thr)

Gene: GRN (granulin precursor; plus strand). Cytogenetic location: 17q21.31.
Variant type: single nucleotide variant.
Coding change: c.1117C>A on transcript NM_002087.4 (MANE Select); coding-DNA position 1117, C replaced by A.
Protein change: p.Pro373Thr; replaces proline 373 with threonine.
Molecular consequence: missense variant.
Genome position (GRCh38, 1-based): chr17:44,351,733, C>A. VCF-style: chr17-44351733-C-A. GRCh37 (hg19) VCF-style: chr17-42429101-C-A.
Other names: short protein forms P373T.
Identifiers: ClinVar variation 2173949 (VCV002173949.4), dbSNP rs912111761, ClinGen allele CA8602102.